The following is an entry in ClinVar:

NM_014003.4(DHX38):c.995G>A (p.Gly332Asp)

Gene: DHX38 (DEAH-box helicase 38; plus strand). Cytogenetic location: 16q22.2.
Variant type: single nucleotide variant.
Coding change: c.995G>A on transcript NM_014003.4 (MANE Select); coding-DNA position 995, G replaced by A.
Protein change: p.Gly332Asp; replaces glycine 332 with aspartic acid.
Molecular consequence: missense variant.
Genome position (GRCh38, 1-based): chr16:72,099,766, G>A. VCF-style: chr16-72099766-G-A. GRCh37 (hg19) VCF-style: chr16-72133665-G-A.
Other names: short protein forms G332D.
Identifiers: ClinVar variation 140595 (VCV000140595.3), dbSNP rs587777554, ClinGen allele CA232802.

ClinVar aggregate classification (germline): Uncertain significance. Review status: criteria provided, single submitter (1 of 4 stars). 2 submissions from 2 submitters: Uncertain significance (1). 1 of the submissions does not count toward it. Last evaluated 2019-01-10.

Conditions:
Retinitis pigmentosa 84 (RP84). Identifiers: MedGen C4748725, MONDO:0032604, OMIM 618220.

Submissions (2):

SIB Swiss Institute of Bioinformatics
Classification: Uncertain significance for Retinitis pigmentosa 84. Last evaluated: 2019-01-10. Review status: criteria provided, single submitter. Criteria: ACMG Guidelines, 2015. Collection method: curation. Allele origin: unknown.
Comment: This variant is interpreted as a Likely pathogenic for Retinitis pigmentosa 84, autosomal recessive. The following ACMG Tag(s) were applied: PM2 => Absent from controls (or at extremely low frequency if recessive) in Exome Sequencing Project, 1000 Genomes Project, or Exome Aggregation Consortium. PP1-Moderate=> PP1 upgraded in strength to Moderate. PP3 => Multiple lines of computational evidence support a deleterious effect on the gene or gene product.

ClinGen:CA232802

OMIM
Classification: Pathogenic for RETINITIS PIGMENTOSA 84. Last evaluated: 2014-07-01. Review status: no assertion criteria provided. Collection method: literature only. Allele origin: germline. Not counted in ClinVar's aggregate classification.

Literature cited by the submitters: PubMed 24737827 (cited by SIB Swiss Institute of Bioinformatics and OMIM).